The following is an entry in ClinVar:

ClinVar aggregate classification (germline): Uncertain significance (1 of 4 stars; one submission).

Allele frequency attached by ClinVar (database versions not stated): TOPMed 0.00003; gnomAD exomes 0.00006; ExAC 0.00007; ESP Exome Variant Server 0.00008; gnomAD 0.00011 and 0.00012.
gnomAD v4.1: 61 of 1,613,900 alleles (0.0038%); highest among the groups gnomAD compares: Middle Eastern, 0.016%; no homozygotes.

Submission:

Labcorp Genetics (formerly Invitae), Labcorp
Classification: Uncertain significance. Last evaluated: 2021-12-28. Review status: criteria provided, single submitter. Criteria: Invitae Variant Classification Sherloc (09022015). Collection method: clinical testing. Allele origin: germline.
Comment: This sequence change replaces threonine, which is neutral and polar, with methionine, which is neutral and non-polar, at codon 500 of the ACBD5 protein (p.Thr500Met). This variant is present in population databases (rs200146409, gnomAD 0.05%). This variant has not been reported in the literature in individuals affected with ACBD5-related conditions. Algorithms developed to predict the effect of missense changes on protein structure and function are either unavailable or do not agree on the potential impact of this missense change (SIFT: "Deleterious"; PolyPhen-2: "Possibly Damaging"; Align-GVGD: "Class C0"). In summary, the available evidence is currently insufficient to determine the role of this variant in disease. Therefore, it has been classified as a Variant of Uncertain Significance.

NM_145698.5(ACBD5):c.1499C>T (p.Thr500Met)

Gene: ACBD5 (acyl-CoA binding domain containing 5; minus strand). Cytogenetic location: 10p12.1.
Variant type: single nucleotide variant.
Coding change: c.1499C>T on transcript NM_145698.5 (MANE Select); coding-DNA position 1499, C replaced by T.
Protein change: p.Thr500Met; replaces threonine 500 with methionine.
Molecular consequence: missense variant.
Genome position (GRCh38, 1-based): chr10:27,204,506, G>A on the plus strand (C>T on the coding strand, the complement: ACBD5 is on the minus strand). VCF-style: chr10-27204506-G-A. GRCh37 (hg19) VCF-style: chr10-27493435-G-A.
Other names: c.1394C>T, p.Thr465Met (NM_001042473.4, NM_001352577.2, NM_001352578.2 and 1 more transcripts); c.1493C>T, p.Thr498Met (NM_001271512.3); c.1172C>T, p.Thr391Met (NM_001301251.2, NM_001301252.2, NM_001301253.2 and 2 more transcripts); c.968C>T, p.Thr323Met (NM_001301254.2); c.1553C>T, p.Thr518Met (NM_001352568.1); c.1532C>T, p.Thr511Met (NM_001352569.1); c.1499C>T, p.Thr500Met (NM_001352570.1); c.1526C>T, p.Thr509Met (NM_001352571.1); and 10 more; short protein forms T397M, T402M, T493M, T511M, T518M, T391M, T443M, T447M.
Identifiers: ClinVar variation 1500645 (VCV001500645.3), dbSNP rs200146409, ClinGen allele CA5450620.